The following is an entry in ClinVar:

NM_001017980.4(VMA21):c.22G>A (p.Ala8Thr)

Gene: VMA21 (vacuolar ATPase assembly factor VMA21; plus strand). Cytogenetic location: Xq28.
Variant type: single nucleotide variant.
Coding change: c.22G>A on transcript NM_001017980.4 (MANE Select); coding-DNA position 22, G replaced by A.
Protein change: p.Ala8Thr; replaces alanine 8 with threonine.
Molecular consequence: missense variant. On other transcripts: intron variant (1).
Genome position (GRCh38, 1-based): chrX:151,397,330, G>A. VCF-style: chrX-151397330-G-A. GRCh37 (hg19) VCF-style: chrX-150565802-G-A.
Other names: c.218+273G>A (NM_001363810.1); short protein forms A8T.
Identifiers: ClinVar variation 956764 (VCV000956764.11), dbSNP rs1483109932, ClinGen allele CA415270783.

ClinVar aggregate classification (germline): Uncertain significance. Review status: criteria provided, multiple submitters, no conflicts (2 of 4 stars). 2 submissions from 2 submitters: Uncertain significance (2). Last evaluated 2024-09-26.

Conditions:
X-linked myopathy with excessive autophagy (AVM). Also called: Vacuolar myopathy; Autophagic vacuolar myopathy. Identifiers: Orphanet 25980, MedGen C1839615, MONDO:0010684, OMIM 310440.
Inborn genetic diseases. Identifiers: MedGen C0950123, MeSH D030342.

Allele frequency attached by ClinVar (database versions not stated): gnomAD exomes below 0.00001 and 0.00001.
gnomAD v4.1: 2 of 1,162,607 alleles (0.00017%); highest among the groups gnomAD compares: East Asian, 0.0033%; no homozygotes.

Submissions (2):

Ambry Genetics
Classification: Uncertain significance for Inborn genetic diseases. Last evaluated: 2024-09-26. Review status: criteria provided, single submitter. Criteria: Ambry Variant Classification Scheme 2023. Collection method: clinical testing. Allele origin: germline.

Labcorp Genetics (formerly Invitae), Labcorp
Classification: Uncertain significance for X-linked myopathy with excessive autophagy. Last evaluated: 2022-10-17. Review status: criteria provided, single submitter. Criteria: Invitae Variant Classification Sherloc (09022015). Collection method: clinical testing. Allele origin: germline.
Comment: This variant has not been reported in the literature in individuals affected with VMA21-related conditions. In summary, the available evidence is currently insufficient to determine the role of this variant in disease. Therefore, it has been classified as a Variant of Uncertain Significance. Algorithms developed to predict the effect of missense changes on protein structure and function output the following: SIFT: "Not Available"; PolyPhen-2: "Benign"; Align-GVGD: "Not Available". The threonine amino acid residue is found in multiple mammalian species, which suggests that this missense change does not adversely affect protein function. ClinVar contains an entry for this variant (Variation ID: 956764). The frequency data for this variant in the population databases is considered unreliable, as metrics indicate poor data quality at this position in the gnomAD database. This sequence change replaces alanine, which is neutral and non-polar, with threonine, which is neutral and polar, at codon 8 of the VMA21 protein (p.Ala8Thr).